The following is an entry in ClinVar:

ClinVar aggregate classification (germline): Uncertain significance (1 of 4 stars; one submission).

Submission:

Labcorp Genetics (formerly Invitae), Labcorp
Classification: Uncertain significance. Last evaluated: 2022-05-21. Review status: criteria provided, single submitter. Criteria: Invitae Variant Classification Sherloc (09022015). Collection method: clinical testing. Allele origin: germline.
Comment: In summary, the available evidence is currently insufficient to determine the role of this variant in disease. Therefore, it has been classified as a Variant of Uncertain Significance. Algorithms developed to predict the effect of missense changes on protein structure and function are either unavailable or do not agree on the potential impact of this missense change (SIFT: "Deleterious"; PolyPhen-2: "Probably Damaging"; Align-GVGD: "Class C0"). This variant has not been reported in the literature in individuals affected with PCNT-related conditions. This variant is not present in population databases (gnomAD no frequency). This sequence change replaces serine, which is neutral and polar, with tyrosine, which is neutral and polar, at codon 3190 of the PCNT protein (p.Ser3190Tyr).

NM_006031.6(PCNT):c.9569C>A (p.Ser3190Tyr)

Gene: PCNT (pericentrin; plus strand). Cytogenetic location: 21q22.3.
Variant type: single nucleotide variant.
Coding change: c.9569C>A on transcript NM_006031.6 (MANE Select); coding-DNA position 9569, C replaced by A.
Protein change: p.Ser3190Tyr; replaces serine 3190 with tyrosine.
Molecular consequence: missense variant.
Genome position (GRCh38, 1-based): chr21:46,441,030, C>A. VCF-style: chr21-46441030-C-A. GRCh37 (hg19) VCF-style: chr21-47860943-C-A.
Other names: c.8978C>A, p.Ser2993Tyr (NM_001315529.2); short protein forms S2993Y, S3190Y.
Identifiers: ClinVar variation 1997516 (VCV001997516.4), dbSNP rs751702513, ClinGen allele CA410578147.
Genomic context (GRCh38, chr21:46,441,030, plus strand): 5'-CACTCTCCATGATTGCCCATTTGGGGGTATTTCCTTCCAAAGCAGAACGGAAAATCACAT[C>A]TCGTCCTTTCACCAGGTTCCGCACGGCCGTCAGGGTGGTCATTGCAATATTAAGGTAAAT-3'
Protein context (NP_006022.3, residues 3180-3200): FPSKAERKIT[Ser3190Tyr]RPFTRFRTAV